The following is an entry in ClinVar:

NM_001122769.3(LCA5):c.208C>T (p.Pro70Ser)

Gene: LCA5 (lebercilin LCA5; minus strand). Cytogenetic location: 6q14.1.
Variant type: single nucleotide variant.
Coding change: c.208C>T on transcript NM_001122769.3 (MANE Select); coding-DNA position 208, C replaced by T.
Protein change: p.Pro70Ser; replaces proline 70 with serine.
Molecular consequence: missense variant.
Genome position (GRCh38, 1-based): chr6:79,513,724, G>A on the plus strand (C>T on the coding strand, the complement: LCA5 is on the minus strand). VCF-style: chr6-79513724-G-A. GRCh37 (hg19) VCF-style: chr6-80223441-G-A.
Other names: c.208C>T (NM_181714.3); c.208C>T, p.Pro70Ser (NM_181714.4); short protein forms P70S.
Identifiers: ClinVar variation 1512142 (VCV001512142.7), dbSNP rs1241416719, ClinGen allele CA364630011.

ClinVar aggregate classification (germline): Uncertain significance. Review status: criteria provided, multiple submitters, no conflicts (2 of 4 stars). 2 submissions from 2 submitters: Uncertain significance (2). Last evaluated 2025-08-08.

Conditions:
Inborn genetic diseases. Identifiers: MedGen C0950123, MeSH D030342.

Allele frequency attached by ClinVar (database versions not stated): TOPMed 0.00001.

Submissions (2):

Ambry Genetics
Classification: Uncertain significance for Inborn genetic diseases. Last evaluated: 2025-08-08. Review status: criteria provided, single submitter. Criteria: Ambry Variant Classification Scheme 2023. Collection method: clinical testing. Allele origin: germline.

Labcorp Genetics (formerly Invitae), Labcorp
Classification: Uncertain significance. Last evaluated: 2021-08-12. Review status: criteria provided, single submitter. Criteria: Invitae Variant Classification Sherloc (09022015). Collection method: clinical testing. Allele origin: germline.
Comment: This variant has not been reported in the literature in individuals affected with LCA5-related conditions. This variant is not present in population databases (ExAC no frequency). This sequence change replaces proline with serine at codon 70 of the LCA5 protein (p.Pro70Ser). The proline residue is moderately conserved and there is a moderate physicochemical difference between proline and serine. Algorithms developed to predict the effect of missense changes on protein structure and function output the following: SIFT: "Tolerated"; PolyPhen-2: "Benign"; Align-GVGD: "Class C0". The serine amino acid residue is found in multiple mammalian species, which suggests that this missense change does not adversely affect protein function. In summary, the available evidence is currently insufficient to determine the role of this variant in disease. Therefore, it has been classified as a Variant of Uncertain Significance.